The following is an entry in ClinVar:

NM_020812.4(DOCK6):c.864G>C (p.Glu288Asp)

Gene: DOCK6 (dedicator of cytokinesis 6; minus strand). Cytogenetic location: 19p13.2.
Variant type: single nucleotide variant.
Coding change: c.864G>C on transcript NM_020812.4 (MANE Select); coding-DNA position 864, G replaced by C.
Protein change: p.Glu288Asp; replaces glutamic acid 288 with aspartic acid.
Molecular consequence: missense variant.
Genome position (GRCh38, 1-based): chr19:11,245,821, C>G on the plus strand (G>C on the coding strand, the complement: DOCK6 is on the minus strand). VCF-style: chr19-11245821-C-G. GRCh37 (hg19) VCF-style: chr19-11356497-C-G.
Other names: c.864G>C, p.Glu288Asp (NM_001367830.1); c.864G>C (NM_020812.2); short protein forms E288D.
Identifiers: ClinVar variation 3716562 (VCV003716562.3).

ClinVar aggregate classification (germline): Uncertain significance. Review status: criteria provided, multiple submitters, no conflicts (2 of 4 stars). 2 submissions from 2 submitters: Uncertain significance (2). Last evaluated 2025-09-05.

Conditions:
Inborn genetic diseases. Identifiers: MedGen C0950123, MeSH D030342.

gnomAD v4.1: 25 of 1,575,076 alleles (0.0016%); highest among the groups gnomAD compares: Non-Finnish European, 0.002%; no homozygotes.

Submissions (2):

Labcorp Genetics (formerly Invitae), Labcorp
Classification: Uncertain significance. Last evaluated: 2025-09-05. Review status: criteria provided, single submitter. Criteria: Invitae Variant Classification Sherloc (09022015). Collection method: clinical testing. Allele origin: germline.
Comment: This sequence change replaces glutamic acid, which is acidic and polar, with aspartic acid, which is acidic and polar, at codon 288 of the DOCK6 protein (p.Glu288Asp). The frequency data for this variant in the population databases is considered unreliable, as metrics indicate poor data quality at this position in the gnomAD database. This variant has not been reported in the literature in individuals affected with DOCK6-related conditions. ClinVar contains an entry for this variant (Variation ID: 3716562). Invitae Evidence Modeling of protein sequence and biophysical properties (such as structural, functional, and spatial information, amino acid conservation, physicochemical variation, residue mobility, and thermodynamic stability) has been performed for this missense variant. However, the output from this modeling did not meet the statistical confidence thresholds required to predict the impact of this variant on DOCK6 protein function. In summary, the available evidence is currently insufficient to determine the role of this variant in disease. Therefore, it has been classified as a Variant of Uncertain Significance.

Ambry Genetics
Classification: Uncertain significance for Inborn genetic diseases. Last evaluated: 2025-05-16. Review status: criteria provided, single submitter. Criteria: Ambry Variant Classification Scheme 2023. Collection method: clinical testing. Allele origin: germline.